The following is an entry in ClinVar:

ClinVar aggregate classification (germline): Uncertain significance (0 of 4 stars; one submission).

Conditions:
PRKAG2-related disorder. Also called: PRKAG2-related disorders; PRKAG2-related condition.

Submission:

PreventionGenetics, part of Exact Sciences
Classification: Uncertain significance for PRKAG2-related condition. Last evaluated: 2023-12-02. Review status: no assertion criteria provided. Collection method: clinical testing. Allele origin: germline.
Comment: The PRKAG2 c.430C>T variant is predicted to result in the amino acid substitution p.Pro144Ser. To our knowledge, this variant has not been reported in the literature or in a large population database, indicating this variant is rare. At this time, the clinical significance of this variant is uncertain due to the absence of conclusive functional and genetic evidence.

NM_016203.4(PRKAG2):c.430C>T (p.Pro144Ser)

Gene: PRKAG2 (protein kinase AMP-activated non-catalytic subunit gamma 2; minus strand). Cytogenetic location: 7q36.1.
Variant type: single nucleotide variant.
Coding change: c.430C>T on transcript NM_016203.4 (MANE Select); coding-DNA position 430, C replaced by T.
Protein change: p.Pro144Ser; replaces proline 144 with serine.
Molecular consequence: missense variant. On other transcripts: intron variant (1).
Genome position (GRCh38, 1-based): chr7:151,781,188, G>A on the plus strand (C>T on the coding strand, the complement: PRKAG2 is on the minus strand). VCF-style: chr7-151781188-G-A. GRCh37 (hg19) VCF-style: chr7-151478274-G-A.
Other names: c.298C>T, p.Pro100Ser (NM_001040633.2, NM_001407024.1, NM_001407026.1 and 2 more transcripts); c.430C>T, p.Pro144Ser (NM_001407021.1, NM_001407022.1, NM_001407023.1 and 2 more transcripts); c.148+33228C>T (NM_001407032.1); short protein forms P100S, P144S.
Identifiers: ClinVar variation 3039430 (VCV003039430.2), dbSNP rs2537921196, ClinGen allele CA370069290.
Genomic context (GRCh38, chr7:151,781,188, plus strand): 5'-GAAACAATAGCATCAAGGTCTTACTTTTTCTGGAGCGGGAGAAAAACCTGATGCCCCCGG[G>A]CGAGGTAGCAGGGTTGGAGTTGGGGGAAGACTCTTTGGAGGAGGAGCGGAAGATCCCACT-3'
Protein context (NP_057287.2, residues 134-154): SSPNSNPATS[Pro144Ser]GGIRFFSRSR